The following is an entry in ClinVar:

NM_004725.4(BUB3):c.37C>A (p.Pro13Thr)

Gene: BUB3 (BUB3 mitotic checkpoint protein; plus strand). Cytogenetic location: 10q26.13.
Variant type: single nucleotide variant.
Coding change: c.37C>A on transcript NM_004725.4 (MANE Select); coding-DNA position 37, C replaced by A.
Protein change: p.Pro13Thr; replaces proline 13 with threonine.
Molecular consequence: missense variant.
Genome position (GRCh38, 1-based): chr10:123,154,954, C>A. VCF-style: chr10-123154954-C-A. GRCh37 (hg19) VCF-style: chr10-124914470-C-A.
Other names: c.37C>A, p.Pro13Thr (NM_001007793.3); short protein forms P13T.
Identifiers: ClinVar variation 1735037 (VCV001735037.2), dbSNP rs2493755186, ClinGen allele CA378624809.

ClinVar aggregate classification (germline): Uncertain significance (1 of 4 stars; one submission).

Submission:

Ambry Genetics
Classification: Uncertain significance. Last evaluated: 2022-06-07. Review status: criteria provided, single submitter. Criteria: Ambry Variant Classification Scheme 2023. Collection method: clinical testing. Allele origin: germline.
Comment: The p.P13T variant (also known as c.37C>A), located in coding exon 1 of the BUB3 gene, results from a C to A substitution at nucleotide position 37. The proline at codon 13 is replaced by threonine, an amino acid with highly similar properties. This amino acid position is conserved. In addition, the in silico prediction for this alteration is inconclusive. Since supporting evidence is limited at this time, the clinical significance of this alteration remains unclear.